The following is an entry in ClinVar:

NM_181336.4(LEMD2):c.889A>G (p.Ser297Gly)

Gene: LEMD2 (LEM domain nuclear envelope protein 2; minus strand). Cytogenetic location: 6p21.31.
Variant type: single nucleotide variant.
Coding change: c.889A>G on transcript NM_181336.4 (MANE Select); coding-DNA position 889, A replaced by G.
Protein change: p.Ser297Gly; replaces serine 297 with glycine.
Molecular consequence: missense variant. On other transcripts: 5 prime UTR variant (2).
Genome position (GRCh38, 1-based): chr6:33,781,118, T>C on the plus strand (A>G on the coding strand, the complement: LEMD2 is on the minus strand). VCF-style: chr6-33781118-T-C. GRCh37 (hg19) VCF-style: chr6-33748895-T-C.
Other names: c.-18A>G (NM_001143944.1, NM_001348709.2); c.490A>G, p.Ser164Gly (NM_001348710.2); c.889A>G (NM_181336.3); short protein forms S164G, S297G.
Identifiers: ClinVar variation 1373214 (VCV001373214.7), dbSNP rs771548102, ClinGen allele CA3763194.

ClinVar aggregate classification (germline): Uncertain significance. Review status: criteria provided, multiple submitters, no conflicts (2 of 4 stars). 2 submissions from 2 submitters: Uncertain significance (2). Last evaluated 2025-11-24.

Allele frequency attached by ClinVar (database versions not stated): gnomAD 0.00001; gnomAD exomes 0.00003 and 0.00006; TOPMed 0.00007; ExAC 0.00012.
gnomAD v4.1: 21 of 1,613,008 alleles (0.0013%); highest among the groups gnomAD compares: Admixed American, 0.032%; no homozygotes.

Submissions (2):

Ambry Genetics
Classification: Uncertain significance. Last evaluated: 2025-11-24. Review status: criteria provided, single submitter. Criteria: Ambry Variant Classification Scheme 2023. Collection method: clinical testing. Allele origin: germline.

Labcorp Genetics (formerly Invitae), Labcorp
Classification: Uncertain significance. Last evaluated: 2024-04-29. Review status: criteria provided, single submitter. Criteria: Invitae Variant Classification Sherloc (09022015). Collection method: clinical testing. Allele origin: germline.
Comment: This sequence change replaces serine, which is neutral and polar, with glycine, which is neutral and non-polar, at codon 297 of the LEMD2 protein (p.Ser297Gly). This variant is present in population databases (rs771548102, gnomAD 0.03%), and has an allele count higher than expected for a pathogenic variant. This variant has not been reported in the literature in individuals affected with LEMD2-related conditions. ClinVar contains an entry for this variant (Variation ID: 1373214). An algorithm developed to predict the effect of missense changes on protein structure and function (PolyPhen-2) suggests that this variant is likely to be disruptive. In summary, the available evidence is currently insufficient to determine the role of this variant in disease. Therefore, it has been classified as a Variant of Uncertain Significance.